The following is an entry in ClinVar:

NM_052844.4(DYNC2I2):c.1500G>A (p.Ala500=)

Gene: DYNC2I2 (dynein 2 intermediate chain 2; minus strand). Cytogenetic location: 9q34.11.
Variant type: single nucleotide variant.
Coding change: c.1500G>A on transcript NM_052844.4 (MANE Select); coding-DNA position 1500, G replaced by A.
Protein change: p.Ala500=; no amino-acid change (alanine 500 retained).
Molecular consequence: synonymous variant.
Genome position (GRCh38, 1-based): chr9:128,633,855, C>T on the plus strand (G>A on the coding strand, the complement: DYNC2I2 is on the minus strand). VCF-style: chr9-128633855-C-T. GRCh37 (hg19) VCF-style: chr9-131396134-C-T.
Other names: c.1500G>A (NM_052844.3).
Identifiers: ClinVar variation 1681169 (VCV001681169.8), dbSNP rs760332947, ClinGen allele CA200416637.

ClinVar aggregate classification (germline): Likely benign. Review status: criteria provided, single submitter (1 of 4 stars). 2 submissions from 2 submitters: Likely benign (1). 1 of the submissions does not count toward it. Last evaluated 2025-07-29.

Conditions:
Short-rib thoracic dysplasia 11 with or without polydactyly (SRTD11). Also called: SHORT-RIB THORACIC DYSPLASIA 11 WITHOUT POLYDACTYLY. Identifiers: Orphanet 474, Orphanet 93271, MedGen C3810200, MONDO:0014287, OMIM 615633.
DYNC2I2-related disorder. Also called: DYNC2I2-related condition.

Allele frequency attached by ClinVar (database versions not stated): gnomAD 0.00001; gnomAD exomes 0.00001; TOPMed 0.00001.
gnomAD v4.1: 13 of 1,613,466 alleles (0.00081%); highest among the groups gnomAD compares: Admixed American, 0.0017%; no homozygotes.

Submissions (2):

Labcorp Genetics (formerly Invitae), Labcorp
Classification: Likely benign for Short-rib thoracic dysplasia 11 with or without polydactyly. Last evaluated: 2025-07-29. Review status: criteria provided, single submitter. Criteria: Invitae Variant Classification Sherloc (09022015). Collection method: clinical testing. Allele origin: germline.

PreventionGenetics, part of Exact Sciences
Classification: Likely benign for DYNC2I2-related condition. Last evaluated: 2023-06-29. Review status: no assertion criteria provided. Collection method: clinical testing. Allele origin: germline. Not counted in ClinVar's aggregate classification.
Comment: This variant is classified as likely benign based on ACMG/AMP sequence variant interpretation guidelines (Richards et al. 2015 PMID: 25741868, with internal and published modifications).